The following is an entry in ClinVar:

NM_001099409.3(EHBP1L1):c.1131G>A (p.Lys377=)

Gene: EHBP1L1 (EH domain binding protein 1 like 1; plus strand). Cytogenetic location: 11q13.1.
Variant type: single nucleotide variant.
Coding change: c.1131G>A on transcript NM_001099409.3 (MANE Select); coding-DNA position 1131, G replaced by A.
Protein change: p.Lys377=; no amino-acid change (lysine 377 retained).
Molecular consequence: synonymous variant. On other transcripts: intron variant (1).
Genome position (GRCh38, 1-based): chr11:65,581,803, G>A. VCF-style: chr11-65581803-G-A. GRCh37 (hg19) VCF-style: chr11-65349274-G-A.
Other names: c.819+477G>A (NM_001351087.2).
Identifiers: ClinVar variation 2641963 (VCV002641963.24), dbSNP rs201609538, ClinGen allele CA6101991.

ClinVar aggregate classification (germline): Likely benign (1 of 4 stars; one submission).

Allele frequency attached by ClinVar (database versions not stated): ESP Exome Variant Server 0.00032; gnomAD 0.00035; gnomAD exomes 0.00036; TOPMed 0.00038; ExAC 0.00045.
gnomAD v4.1: 618 of 1,613,570 alleles (0.038%); highest among the groups gnomAD compares: Middle Eastern, 1.5%; 2 homozygotes.

Submission:

CeGaT Center for Human Genetics Tuebingen
Classification: Likely benign. Last evaluated: 2022-12-01. Review status: criteria provided, single submitter. Criteria: CeGaT Center For Human Genetics Tuebingen Variant Classification Criteria Version 2. Collection method: clinical testing. Allele origin: germline. Affected: yes. Observed: 1 variant allele.
Comment: EHBP1L1: BP4, BP7